The following is an entry in ClinVar:

NM_000091.5(COL4A3):c.1427G>C (p.Cys476Ser)

Genes: MFF-DT (MFF divergent transcript; minus strand), COL4A3 (collagen type IV alpha 3 chain; plus strand). Cytogenetic location: 2q36.3.
Variant type: single nucleotide variant.
Coding change: c.1427G>C on transcript NM_000091.5 (MANE Select); coding-DNA position 1427, G replaced by C.
Protein change: p.Cys476Ser; replaces cysteine 476 with serine.
Molecular consequence: missense variant.
Genome position (GRCh38, 1-based): chr2:227,267,011, G>C. VCF-style: chr2-227267011-G-C. GRCh37 (hg19) VCF-style: chr2-228131727-G-C.
Other names: short protein forms C476S.
Identifiers: ClinVar variation 1308182 (VCV001308182.5), dbSNP rs1041119510, ClinGen allele CA66634745.
Genomic context (GRCh38, chr2:227,267,011, plus strand): 5'-CAATGTAGCTTTTTAAGTAATGCTAGTATGCTCTCATTGCAGGAGAACCAGGCCTCCTGT[G>C]TACACAGTGCCCTTATATCCCAGGGCCTCCCGGTCTCCCAGGATTGCCAGGGTTACATGG-3'
Protein context (NP_000082.2, residues 466-486): DGPKGEPGLL[Cys476Ser]TQCPYIPGPP

ClinVar aggregate classification (germline): Uncertain significance. Review status: criteria provided, multiple submitters, no conflicts (2 of 4 stars). 3 submissions from 3 submitters: Uncertain significance (3). Last evaluated 2025-09-02.

Conditions:
Autosomal dominant Alport syndrome (ATS3A). Also called: ALPORT SYNDROME 3A, AUTOSOMAL DOMINANT; Alport syndrome dominant type; Renal failure and sensorineural hearing loss. Identifiers: Orphanet 63, Orphanet 88918, MedGen C5882663, MONDO:0007086, OMIM 104200.
Hematuria, benign familial, 2 (BFH2). Identifiers: MedGen C5830421, MONDO:0958186, OMIM 620320.
Alport syndrome 3b, autosomal recessive. Identifiers: MedGen C5882699, MONDO:0957811, OMIM 620536.

Allele frequency attached by ClinVar (database versions not stated): gnomAD 0.00001; gnomAD exomes 0.00002 and 0.00005; TOPMed 0.00002.
gnomAD v4.1: 83 of 1,613,744 alleles (0.0051%); highest among the groups gnomAD compares: Non-Finnish European, 0.0067%; no homozygotes.

Submissions (3):

Labcorp Genetics (formerly Invitae), Labcorp
Classification: Uncertain significance. Last evaluated: 2025-09-02. Review status: criteria provided, single submitter. Criteria: Invitae Variant Classification Sherloc (09022015). Collection method: clinical testing. Allele origin: germline.
Comment: This sequence change replaces cysteine, which is neutral and slightly polar, with serine, which is neutral and polar, at codon 476 of the COL4A3 protein (p.Cys476Ser). This variant is present in population databases (no rsID available, gnomAD 0.004%). This variant has not been reported in the literature in individuals affected with COL4A3-related conditions. ClinVar contains an entry for this variant (Variation ID: 1308182). Invitae Evidence Modeling of protein sequence and biophysical properties (such as structural, functional, and spatial information, amino acid conservation, physicochemical variation, residue mobility, and thermodynamic stability) has been performed for this missense variant. However, the output from this modeling did not meet the statistical confidence thresholds required to predict the impact of this variant on COL4A3 protein function. In summary, the available evidence is currently insufficient to determine the role of this variant in disease. Therefore, it has been classified as a Variant of Uncertain Significance.

Fulgent Genetics
Classification: Uncertain significance for Autosomal dominant Alport syndrome; Hematuria, benign familial, 2; Alport syndrome 3b, autosomal recessive. Last evaluated: 2024-01-20. Review status: criteria provided, single submitter. Criteria: ACMG Guidelines, 2015. Collection method: clinical testing. Allele origin: germline.

GeneDx
Classification: Uncertain significance. Last evaluated: 2019-08-28. Review status: criteria provided, single submitter. Criteria: GeneDx Variant Classification Process June 2021. Collection method: clinical testing. Allele origin: germline. Affected: yes.
Comment: Not observed at a significant frequency in large population cohorts (Lek et al., 2016); In silico analysis, which includes protein predictors and evolutionary conservation, supports a deleterious effect; Has not been previously published as pathogenic or benign to our knowledge